The following is an entry in ClinVar:

ClinVar aggregate classification (germline): Likely pathogenic (1 of 4 stars; one submission).

Conditions:
Hereditary cancer-predisposing syndrome. Also called: Hereditary Cancer Syndrome; Tumor predisposition; Hereditary neoplastic syndrome; Neoplastic Syndromes, Hereditary. Identifiers: Orphanet 140162, MedGen C0027672, MeSH D009386, MONDO:0015356.

Submission:

Labcorp Genetics (formerly Invitae), Labcorp
Classification: Likely pathogenic for Hereditary cancer-predisposing syndrome. Last evaluated: 2024-08-31. Review status: criteria provided, single submitter. Criteria: Invitae Variant Classification Sherloc (09022015). Collection method: clinical testing. Allele origin: germline.
Comment: This sequence change affects an acceptor splice site in intron 2 of the RAD50 gene. It is expected to disrupt RNA splicing. Variants that disrupt the donor or acceptor splice site typically lead to a loss of protein function (PMID: 16199547), and loss-of-function variants in RAD50 are known to be pathogenic (PMID: 19409520). This variant is present in population databases (no rsID available, gnomAD 0.006%). This variant has not been reported in the literature in individuals affected with RAD50-related conditions. Algorithms developed to predict the effect of sequence changes on RNA splicing suggest that this variant may disrupt the consensus splice site. In summary, the currently available evidence indicates that the variant is pathogenic, but additional data are needed to prove that conclusively. Therefore, this variant has been classified as Likely Pathogenic.

Literature cited by the submitters: PubMed 16199547; PubMed 19409520.

NM_005732.4(RAD50):c.214-1G>C

Gene: RAD50 (RAD50 double strand break repair protein; plus strand). Cytogenetic location: 5q31.1.
Variant type: single nucleotide variant.
Coding change: c.214-1G>C on transcript NM_005732.4 (MANE Select); the canonical splice acceptor site of the intron before coding-DNA position 214, G replaced by C.
Molecular consequence: splice acceptor variant.
Genome position (GRCh38, 1-based): chr5:132,575,776, G>C. VCF-style: chr5-132575776-G-C. GRCh37 (hg19) VCF-style: chr5-131911468-G-C.
Identifiers: ClinVar variation 3664028 (VCV003664028.2).
Genomic context (GRCh38, chr5:132,575,776, plus strand): 5'-TCAGAACCAACACTGGTGCTTATTAAAGTAACATAAGTTTTTTCTGTGTTTTCCTTCAAA[G>C]GTTGCTCAAGAAACAGATGTGAGAGCCCAGATTCGTCTGCAATTTCGTGATGTCAATGGA-3'